The following is an entry in ClinVar:

NM_000059.4(BRCA2):c.8132C>T (p.Ala2711Val)

Gene: BRCA2 (BRCA2 DNA repair associated; plus strand). Cytogenetic location: 13q13.1.
Variant type: single nucleotide variant.
Coding change: c.8132C>T on transcript NM_000059.4 (MANE Select); coding-DNA position 8132, C replaced by T.
Protein change: p.Ala2711Val; replaces alanine 2711 with valine.
Molecular consequence: missense variant. On other transcripts: non-coding transcript variant (1).
Genome position (GRCh38, 1-based): chr13:32,363,334, C>T. VCF-style: chr13-32363334-C-T. GRCh37 (hg19) VCF-style: chr13-32937471-C-T.
Other names: c.8036C>T, p.Ala2679Val (NM_001406719.1); c.8132C>T, p.Ala2711Val (NM_001406720.1); c.3200C>T, p.Ala1067Val (NM_001406721.1); c.1715C>T, p.Ala572Val (NM_001406722.1); short protein forms A2679V, A1067V, A2711V, A572V.
Identifiers: ClinVar variation 2451489 (VCV002451489.4), dbSNP rs2137581002, ClinGen allele CA387749447.

ClinVar aggregate classification (germline): Conflicting classifications of pathogenicity. Review status: criteria provided, conflicting classifications (1 of 4 stars). 2 submissions from 2 submitters: Uncertain significance (1); Likely benign (1). Last evaluated 2025-01-28.

Conditions:
Hereditary cancer-predisposing syndrome. Also called: Neoplastic Syndromes, Hereditary; Tumor predisposition; Hereditary neoplastic syndrome; Hereditary Cancer Syndrome. Identifiers: Orphanet 140162, MedGen C0027672, MeSH D009386, MONDO:0015356.

Submissions (2):

Women's Health and Genetics/Laboratory Corporation of America, LabCorp
Classification: Uncertain significance. Last evaluated: 2025-01-28. Review status: criteria provided, single submitter. Criteria: LabCorp Variant Classification Summary - May 2015. Collection method: clinical testing. Allele origin: germline.
Comment: Variant summary: BRCA2 c.8132C>T (p.Ala2711Val) results in a non-conservative amino acid change located in the BRCA2, OB1 domain (IPR015187) of the encoded protein sequence. Four of five in-silico tools predict a benign effect of the variant on protein function. The variant was absent in 251344 control chromosomes. The available data on variant occurrences in the general population are insufficient to allow any conclusion about variant significance. To our knowledge, no occurrence of c.8132C>T in individuals affected with Hereditary Breast And Ovarian Cancer Syndrome and no experimental evidence demonstrating its impact on protein function have been reported. ClinVar contains an entry for this variant (Variation ID: 2451489). Based on the evidence outlined above, the variant was classified as uncertain significance.

Ambry Genetics
Classification: Likely benign for Hereditary cancer-predisposing syndrome. Last evaluated: 2022-11-29. Review status: criteria provided, single submitter. Criteria: Ambry Variant Classification Scheme 2023. Collection method: clinical testing. Allele origin: germline.